The following is an entry in ClinVar:

ClinVar aggregate classification (germline): Likely pathogenic (1 of 4 stars; one submission).

Conditions:
Hypertrophic cardiomyopathy 26. Also called: Cardiomyopathy, familial hypertrophic, 26. Identifiers: Orphanet 75249, MedGen C4310749, MONDO:0014883, OMIM 617047.

Submission:

Institute of Medical Genetics and Applied Genomics, University Hospital Tübingen
Classification: Likely pathogenic for Hypertrophic cardiomyopathy 26. Last evaluated: 2025-08-05. Review status: criteria provided, single submitter. Criteria: ACMG Guidelines, 2015. Collection method: clinical testing. Allele origin: de novo. Inheritance: Autosomal dominant inheritance. Affected: yes.
Comment: postnatal onset of cardiomyopathy

NM_001458.5(FLNC):c.5820C>G (p.Ser1940Arg)

Genes: FLNC (filamin C; plus strand), FLNC-AS1 (FLNC antisense RNA 1; minus strand). Cytogenetic location: 7q32.1.
Variant type: single nucleotide variant.
Coding change: c.5820C>G on transcript NM_001458.5 (MANE Select); coding-DNA position 5820, C replaced by G.
Protein change: p.Ser1940Arg; replaces serine 1940 with arginine.
Molecular consequence: missense variant.
Genome position (GRCh38, 1-based): chr7:128,851,606, C>G. VCF-style: chr7-128851606-C-G. GRCh37 (hg19) VCF-style: chr7-128491660-C-G.
Other names: c.5721C>G, p.Ser1907Arg (NM_001127487.2); short protein forms S1907R, S1940R.
Identifiers: ClinVar variation 4072413 (VCV004072413.1).